The following is an entry in ClinVar:

NM_032447.5(FBN3):c.6250+6C>T

Gene: FBN3 (fibrillin 3; minus strand). Cytogenetic location: 19p13.2.
Variant type: single nucleotide variant.
Coding change: c.6250+6C>T on transcript NM_032447.5 (MANE Select); 6 bases into the intron after coding-DNA position 6250, C replaced by T.
Molecular consequence: intron variant.
Genome position (GRCh38, 1-based): chr19:8,089,888, G>A on the plus strand (C>T on the coding strand, the complement: FBN3 is on the minus strand). VCF-style: chr19-8089888-G-A. GRCh37 (hg19) VCF-style: chr19-8154772-G-A.
Other names: c.6250+6C>T (NM_001321431.2).
Identifiers: ClinVar variation 3664907 (VCV003664907.2).
Genomic context (GRCh38, chr19:8,089,888, plus strand): 5'-CAGGCAGTGCGGAGATGGATCTGGGTGGCCCAGAAGGGGCTCTTAGCATGTGGGTGAGGG[G>A]CTCACCTTCTCGGGAGTCATCCGGGCCTGGGACTGCCCCGTGGCCAAAGGGGCAGAGCTC-3'

ClinVar aggregate classification (germline): Uncertain significance (1 of 4 stars; one submission).

gnomAD v4.1: 5 of 1,592,038 alleles (0.00031%); highest among the groups gnomAD compares: Admixed American, 0.0091%; no homozygotes.

Submission:

Labcorp Genetics (formerly Invitae), Labcorp
Classification: Uncertain significance. Last evaluated: 2025-06-02. Review status: criteria provided, single submitter. Criteria: Invitae Variant Classification Sherloc (09022015). Collection method: clinical testing. Allele origin: germline.
Comment: This sequence change falls in intron 50 of the FBN3 gene. It does not directly change the encoded amino acid sequence of the FBN3 protein. It affects a nucleotide within the consensus splice site. The frequency data for this variant in the population databases is considered unreliable, as metrics indicate poor data quality at this position in the gnomAD database. This variant has not been reported in the literature in individuals affected with FBN3-related conditions. ClinVar contains an entry for this variant (Variation ID: 3664907). Variants that disrupt the consensus splice site are a relatively common cause of aberrant splicing (PMID: 17576681, 9536098). Algorithms developed to predict the effect of sequence changes on RNA splicing suggest that this variant is not likely to affect RNA splicing. In summary, the available evidence is currently insufficient to determine the role of this variant in disease. Therefore, it has been classified as a Variant of Uncertain Significance.

Literature cited by the submitters: PubMed 17576681; PubMed 9536098.